The following is an entry in ClinVar:

ClinVar aggregate classification (germline): Likely benign. Review status: criteria provided, multiple submitters, no conflicts (2 of 4 stars). 4 submissions from 4 submitters: Likely benign (4). Last evaluated 2026-09-01.

Conditions:
Cardiovascular phenotype. Identifiers: MedGen CN230736.
TTN-related disorder. Also called: TTN-related disorders; TTN-related condition; TTN-related disease.
Dilated cardiomyopathy 1G (CMD1G). Identifiers: Orphanet 154, MedGen C1858763, MONDO:0011400, OMIM 604145.
Autosomal recessive limb-girdle muscular dystrophy type 2J (LGMDR10). Also called: MUSCULAR DYSTROPHY, LIMB-GIRDLE, AUTOSOMAL RECESSIVE 10; Limb-girdle muscular dystrophy, type 2J. Identifiers: Orphanet 140922, MedGen C1837342, MONDO:0012127, OMIM 608807.

Allele frequency attached by ClinVar (database versions not stated): gnomAD exomes 0.00001 and 0.00002; TOPMed 0.00001; ExAC 0.00002; gnomAD 0.00002.
gnomAD v4.1: 35 of 1,612,680 alleles (0.0022%); highest among the groups gnomAD compares: Non-Finnish European, 0.0028%; no homozygotes.

Submissions (4):

PreventionGenetics, part of Exact Sciences
Classification: Likely benign for TTN-related condition. Last evaluated: 2026-09-01. Review status: criteria provided, single submitter. Criteria: ACMG Guidelines, 2015. Collection method: clinical testing. Allele origin: germline.
Comment: This variant is classified as likely benign based on ACMG/AMP sequence variant interpretation guidelines (Richards et al. 2015 PMID: 25741868, with internal and published modifications).

CeGaT Center for Human Genetics Tuebingen
Classification: Likely benign. Last evaluated: 2026-04-01. Review status: criteria provided, single submitter. Criteria: CeGaT Center For Human Genetics Tuebingen Variant Classification Criteria Version 2. Collection method: clinical testing. Allele origin: germline. Affected: yes. Observed: 1 variant allele.
Comment: TTN: BP4, BP7

Labcorp Genetics (formerly Invitae), Labcorp
Classification: Likely benign for Dilated cardiomyopathy 1G; Autosomal recessive limb-girdle muscular dystrophy type 2J. Last evaluated: 2025-11-24. Review status: criteria provided, single submitter. Criteria: Invitae Variant Classification Sherloc (09022015). Collection method: clinical testing. Allele origin: germline.

Ambry Genetics
Classification: Likely benign for Cardiovascular phenotype. Last evaluated: 2021-10-06. Review status: criteria provided, single submitter. Criteria: Ambry Variant Classification Scheme 2023. Collection method: clinical testing. Allele origin: germline.

NM_001267550.2(TTN):c.67737T>G (p.Ala22579=)

Genes: TTN (titin; minus strand), TTN-AS1 (TTN antisense RNA 1; plus strand), LOC126806423 (CDK7 strongly-dependent group 2 enhancer GRCh37_chr2:179443309-179444508; plus strand). Cytogenetic location: 2q31.2.
Variant type: single nucleotide variant.
Coding change: c.67737T>G on transcript NM_001267550.2 (MANE Select); coding-DNA position 67737, T replaced by G.
Protein change: p.Ala22579=; no amino-acid change (alanine 22579 retained).
Molecular consequence: synonymous variant.
Genome position (GRCh38, 1-based): chr2:178,579,293, A>C on the plus strand (T>G on the coding strand, the complement: TTN is on the minus strand). VCF-style: chr2-178579293-A-C. GRCh37 (hg19) VCF-style: chr2-179444020-A-C.
Other names: c.62814T>G, p.Ala20938= (NM_001256850.1); c.40542T>G, p.Ala13514= (NM_003319.4); c.60033T>G, p.Ala20011= (NM_133378.4); c.40917T>G, p.Ala13639= (NM_133432.3); c.41118T>G, p.Ala13706= (NM_133437.4).
Identifiers: ClinVar variation 1128440 (VCV001128440.14), dbSNP rs765975995, ClinGen allele CA1991241.
Genomic context (GRCh38, chr2:178,579,293, plus strand): 5'-AACACTGACTCTAGTGTCAGTTGCTAGAGGATCTTCCCCTTTCTTCCAGGAGACTGATGG[A>C]GCTGGCTTGCCTTTTATGGGGATCTTAAGCCGGAAGTTGCTGTTTTCTTTAGCCAAGTAG-3'
Protein context (NP_001254479.2, residues 22569-22589): RLKIPIKGKP[Ala22579=]PSVSWKKGED